The following is an entry in ClinVar:

NM_007118.4(TRIO):c.6946G>A (p.Gly2316Ser)

Gene: TRIO (trio Rho guanine nucleotide exchange factor; plus strand). Cytogenetic location: 5p15.2.
Variant type: single nucleotide variant.
Coding change: c.6946G>A on transcript NM_007118.4 (MANE Select); coding-DNA position 6946, G replaced by A.
Protein change: p.Gly2316Ser; replaces glycine 2316 with serine.
Molecular consequence: missense variant. On other transcripts: non-coding transcript variant (1).
Genome position (GRCh38, 1-based): chr5:14,487,574, G>A. VCF-style: chr5-14487574-G-A. GRCh37 (hg19) VCF-style: chr5-14487683-G-A.
Other names: short protein forms G2316S.
Identifiers: ClinVar variation 2504490 (VCV002504490.1), dbSNP rs1756040366, ClinGen allele CA359236488.

ClinVar aggregate classification (germline): Uncertain significance (1 of 4 stars; one submission).

Allele frequency attached by ClinVar (database versions not stated): TOPMed below 0.00001.

Submission:

GeneDx
Classification: Uncertain significance. Last evaluated: 2022-11-29. Review status: criteria provided, single submitter. Criteria: GeneDx Variant Classification Process June 2021. Collection method: clinical testing. Allele origin: germline. Affected: yes.
Comment: Not observed at significant frequency in large population cohorts (gnomAD); In silico analysis supports that this missense variant does not alter protein structure/function; Has not been previously published as pathogenic or benign to our knowledge